The following is an entry in ClinVar:

NM_001854.4(COL11A1):c.4547G>T (p.Gly1516Val)

Gene: COL11A1 (collagen type XI alpha 1 chain; minus strand). Cytogenetic location: 1p21.1.
Variant type: single nucleotide variant.
Coding change: c.4547G>T on transcript NM_001854.4 (MANE Select); coding-DNA position 4547, G replaced by T.
Protein change: p.Gly1516Val; replaces glycine 1516 with valine.
Molecular consequence: missense variant. On other transcripts: non-coding transcript variant (1).
Genome position (GRCh38, 1-based): chr1:102,888,730, C>A on the plus strand (G>T on the coding strand, the complement: COL11A1 is on the minus strand). VCF-style: chr1-102888730-C-A. GRCh37 (hg19) VCF-style: chr1-103354286-C-A.
Other names: c.4430G>T, p.Gly1477Val (NM_001190709.2); c.4583G>T, p.Gly1528Val (NM_080629.3); c.4199G>T, p.Gly1400Val (NM_080630.4); short protein forms G1516V, G1528V, G1400V, G1477V.
Identifiers: ClinVar variation 498797 (VCV000498797.14), dbSNP rs1553193910, ClinGen allele CA341212387.

ClinVar aggregate classification (germline): Pathogenic/Likely pathogenic. Review status: criteria provided, multiple submitters, no conflicts (2 of 4 stars). 7 submissions from 7 submitters: Pathogenic (4); Likely pathogenic (3). Last evaluated 2025-11-15.

Conditions:
COL11A1-related disorder. Also called: COL11A1-related condition; COL11A1-related disorders.
Hearing loss, autosomal dominant 37. Also called: DEAFNESS, AUTOSOMAL DOMINANT 37. Identifiers: MedGen C4760307, MONDO:0032802, OMIM 618533.
Stickler syndrome type 2 (STL2). Also called: STICKLER SYNDROME, BEADED VITREOUS TYPE; STICKLER SYNDROME, VITREOUS TYPE 2; STICKLER SYNDROME, TYPE II; COL11A1-Related Stickler Syndrome. Identifiers: Orphanet 828, Orphanet 90654, MedGen C1858084, MONDO:0011493, OMIM 604841.
Marshall syndrome (MRSHS). Identifiers: Orphanet 560, MedGen C0265235, MONDO:0007949, OMIM 154780.

Submissions (7):

Labcorp Genetics (formerly Invitae), Labcorp
Classification: Pathogenic. Last evaluated: 2025-11-15. Review status: criteria provided, single submitter. Criteria: Invitae Variant Classification Sherloc (09022015). Collection method: clinical testing. Allele origin: germline.
Comment: This sequence change replaces glycine, which is neutral and non-polar, with valine, which is neutral and non-polar, at codon 1516 of the COL11A1 protein (p.Gly1516Val). This variant is not present in population databases (gnomAD no frequency). This missense change has been observed in individuals with autosomal dominant Stickler syndrome (PMID: 10486316, 20513134; internal data). This variant is also known as G988V. ClinVar contains an entry for this variant (Variation ID: 498797). Invitae Evidence Modeling of protein sequence and biophysical properties (such as structural, functional, and spatial information, amino acid conservation, physicochemical variation, residue mobility, and thermodynamic stability) indicates that this missense variant is expected to disrupt COL11A1 protein function with a positive predictive value of 80%. For these reasons, this variant has been classified as Pathogenic.

PreventionGenetics, part of Exact Sciences
Classification: Pathogenic for COL11A1-related condition. Last evaluated: 2025-06-19. Review status: criteria provided, single submitter. Criteria: ACMG Guidelines, 2015. Collection method: clinical testing. Allele origin: germline.
Comment: The COL11A1 c.4547G>T variant is predicted to result in the amino acid substitution p.Gly1516Val. This variant has been reported in individuals with COL11A1-related disorders, including one in whom it occurred de novo (reported as G988V; Annunen et al. 1999. PubMed ID: 10486316; Richards et al. 2010. PubMed ID: 20513134; Van Heurck et al. 2021. PubMed ID: 34440452). This variant affects a Gly residue of the conserved Gly-Xaa-Yaa triple helical domain (amino acid residues 529-1542), where substitutions of glycine are usually pathogenic (Richards et al. 2010. PubMed ID: 20513134). This variant has not been reported in a large population database, indicating it is rare. This variant is interpreted as pathogenic.

Dasa
Classification: Likely pathogenic for Stickler syndrome type 2. Last evaluated: 2022-02-05. Review status: criteria provided, single submitter. Criteria: ACMG Guidelines, 2015. Collection method: clinical testing. Allele origin: germline. Affected: yes. Observed: 1 variant allele.
Comment: The c.4547G>T;p.(Gly1516Val) missense variant has been observed in affected individual(s) and ClinVar contains an entry for this variant (PMID: 20513134) - PS4_supporting. The variant is located in a mutational hot spot and/or critical and well-established functional domain (collagen helix of α1(XI) collagen) - PM1. This variant is not present in population databases (rs1553193910; gnomAD; ABraOM no frequency) - PM2. Multiple lines of computational evidence support a deleterious effect on the gene or gene product - PP3. In summary, the currently available evidence indicates that the variant is likely pathogenic.

Blueprint Genetics
Classification: Likely pathogenic for COL11A1-related disorders. Last evaluated: 2020-09-18. Review status: criteria provided, single submitter. Criteria: ACMG Guidelines, 2015. Collection method: clinical testing. Allele origin: germline. Affected: yes. Observed: 1 variant allele.

Center of Genomic medicine, Geneva, University Hospital of Geneva
Classification: Pathogenic for Hearing loss, autosomal dominant 37; Stickler syndrome type 2; Marshall syndrome. Last evaluated: 2020-09-11. Review status: criteria provided, single submitter. Criteria: ACMG Guidelines, 2015. Collection method: clinical testing. Allele origin: de novo. Affected: yes. Observed: 1 variant allele.

Eurofins Ntd Llc (ga)
Classification: Pathogenic. Last evaluated: 2018-07-23. Review status: criteria provided, single submitter. Criteria: EGL ClinVar v180209 classification definitions. Collection method: clinical testing. Allele origin: germline. Observed: 2 variant alleles, 2 heterozygotes.

MVZ Martinsried, Medicover Genetics
Classification: Likely pathogenic for Marshall syndrome. Last evaluated: 2017-11-09. Review status: criteria provided, single submitter. Criteria: ACMG Guidelines, 2015. Collection method: clinical testing. Allele origin: unknown. Affected: yes.

Literature cited by the submitters: PubMed 10486316 (cited by Labcorp Genetics (formerly Invitae), Labcorp); PubMed 20513134 (cited by Labcorp Genetics (formerly Invitae), Labcorp and Dasa).